The following is an entry in ClinVar:

NM_001363711.2(DUOX2):c.2553C>A (p.Phe851Leu)

Gene: DUOX2 (dual oxidase 2; minus strand). Cytogenetic location: 15q21.1.
Variant type: single nucleotide variant.
Coding change: c.2553C>A on transcript NM_001363711.2 (MANE Select); coding-DNA position 2553, C replaced by A.
Protein change: p.Phe851Leu; replaces phenylalanine 851 with leucine.
Molecular consequence: missense variant.
Genome position (GRCh38, 1-based): chr15:45,104,147, G>T on the plus strand (C>A on the coding strand, the complement: DUOX2 is on the minus strand). VCF-style: chr15-45104147-G-T. GRCh37 (hg19) VCF-style: chr15-45396345-G-T.
Other names: c.2553C>A, p.Phe851Leu (NM_014080.5); short protein forms F851L.
Identifiers: ClinVar variation 2695288 (VCV002695288.3), dbSNP rs1894152810, ClinGen allele CA392269389.

ClinVar aggregate classification (germline): Uncertain significance (1 of 4 stars; one submission).

Submission:

Labcorp Genetics (formerly Invitae), Labcorp
Classification: Uncertain significance. Last evaluated: 2023-11-12. Review status: criteria provided, single submitter. Criteria: Invitae Variant Classification Sherloc (09022015). Collection method: clinical testing. Allele origin: germline.
Comment: This sequence change replaces phenylalanine, which is neutral and non-polar, with leucine, which is neutral and non-polar, at codon 851 of the DUOX2 protein (p.Phe851Leu). This variant is not present in population databases (gnomAD no frequency). This variant has not been reported in the literature in individuals affected with DUOX2-related conditions. Advanced modeling of protein sequence and biophysical properties (such as structural, functional, and spatial information, amino acid conservation, physicochemical variation, residue mobility, and thermodynamic stability) performed at Invitae indicates that this missense variant is not expected to disrupt DUOX2 protein function with a negative predictive value of 80%. In summary, the available evidence is currently insufficient to determine the role of this variant in disease. Therefore, it has been classified as a Variant of Uncertain Significance.